The following is an entry in ClinVar:

NM_000218.3(KCNQ1):c.1747C>G (p.Arg583Gly)

Gene: KCNQ1 (potassium voltage-gated channel subfamily Q member 1; plus strand). Cytogenetic location: 11p15.5.
Variant type: single nucleotide variant.
Coding change: c.1747C>G on transcript NM_000218.3 (MANE Select); coding-DNA position 1747, C replaced by G.
Protein change: p.Arg583Gly; replaces arginine 583 with glycine.
Molecular consequence: missense variant.
Genome position (GRCh38, 1-based): chr11:2,777,990, C>G. VCF-style: chr11-2777990-C-G. GRCh37 (hg19) VCF-style: chr11-2799220-C-G.
Other names: c.1651C>G, p.Arg551Gly (NM_001406836.1); c.1477C>G, p.Arg493Gly (NM_001406837.1); c.1207C>G, p.Arg403Gly (NM_001406838.1); c.259C>G, p.Arg87Gly (NM_001406839.1); c.1366C>G, p.Arg456Gly (NM_181798.2); short protein forms R403G, R456G, R493G, R551G, R583G, R87G.
Identifiers: ClinVar variation 3074316 (VCV003074316.1), dbSNP rs17221854, ClinGen allele CA379139643.

ClinVar aggregate classification (germline): Uncertain significance (1 of 4 stars; one submission).

Conditions:
Long QT syndrome (LQTS). Identifiers: MedGen C0023976, MeSH D008133, MONDO:0002442. Disease mechanism: loss of function. Inheritance: Various modes of inheritance.

Submission:

All of Us Research Program, National Institutes of Health
Classification: Uncertain significance for Long QT syndrome. Last evaluated: 2023-11-02. Review status: criteria provided, single submitter. Criteria: ACMG Guidelines, 2015. Collection method: clinical testing. Allele origin: germline. Inheritance: Autosomal dominant inheritance. Observed: 1 variant allele, 1 heterozygote.
Comment: This missense variant replaces arginine with glycine at codon 583 of the KCNQ1 protein. Computational prediction suggests that this variant may have deleterious impact on protein structure and function (internally defined REVEL score threshold >= 0.7, PMID: 27666373). This variant is found within a highly conserved C-terminus region (a.a. 576-584). Rare non-truncating variants in this region have been shown to be significantly overrepresented in individuals with long QT syndrome (PMID: 32893267). To our knowledge, functional studies have not been reported for this variant. This variant has been reported in an individual affected with Romano Ward syndrome who carried a second variant in the KCNE1 gene (p.Ala93Thr) (PMID: 24606995). This variant has not been identified in the general population by the Genome Aggregation Database (gnomAD). The available evidence is insufficient to determine the role of this variant in disease conclusively. Therefore, this variant is classified as a Variant of Uncertain Significance.

This study involves interpretation of variants in research participants for the purpose of population health screening. Participant phenotype was not available at the time of variant classification. Additional details can be found in publication PMID: 35346344, PMCID: PMC8962531

Literature cited by the submitters: PubMed 24606995; PubMed 32893267.